The following is an entry in ClinVar:

ClinVar aggregate classification (germline): Likely pathogenic. Review status: criteria provided, multiple submitters, no conflicts (2 of 4 stars). 3 submissions from 3 submitters: Likely pathogenic (3). Last evaluated 2026-05-12.

Conditions:
Epidermolysis bullosa dystrophica. Also called: Dystrophic epidermolysis bullosa, Hallopeau-Siemens type (formerly); Dystrophic epidermolysis bullosa. Identifiers: Orphanet 303, MedGen C0079294, MONDO:0006543.

gnomAD v4.1: 4 of 1,614,180 alleles (0.00025%); highest among the groups gnomAD compares: Non-Finnish European, 0.00034%; no homozygotes.

Submissions (3):

Women's Health and Genetics/Laboratory Corporation of America, LabCorp
Classification: Likely pathogenic for Epidermolysis bullosa dystrophica. Last evaluated: 2026-05-12. Review status: criteria provided, single submitter. Criteria: LabCorp Variant Classification Summary - May 2015. Collection method: clinical testing. Allele origin: germline.
Comment: Variant summary: COL7A1 c.7550G>A (p.Gly2517Asp) results in a non-conservative amino acid change in the encoded protein sequence. Algorithms developed to predict the effect of missense changes on protein structure and function all suggest that this variant is likely to be disruptive. This variant disrupts the triple helix domain of COL7A1. Glycine residues within the Gly-Xaa-Yaa repeats of the triple helix domain are required for the structure and stability of fibrillar collagens (PMID: 7695699, 8218237, 19344236). The variant was absent in 251368 control chromosomes. c.7550G>A has been observed in heterozygous individuals affected with Dystrophic Epidermolysis Bullosa (Almaani_2011, Papanikolaou_2024). These data indicate that the variant may be associated with disease. To our knowledge, no experimental evidence demonstrating an impact on protein function has been reported. The following publications have been ascertained in the context of this evaluation (PMID: 21448560, 38484894). ClinVar contains an entry for this variant (Variation ID: 2734503). Based on the evidence outlined above, the variant was classified as likely pathogenic.

Natera, Inc.
Classification: Likely pathogenic for Dystrophic epidermolysis bullosa. Last evaluated: 2024-12-27. Review status: criteria provided, single submitter. Criteria: Natera Variant Classification Schema (03/2026). Collection method: clinical testing. Allele origin: germline.
Comment: The c.7550G>A variant in COL7A1 is a missense variant predicted to cause substitution of glycine to aspartic acid at amino acid 2517. This variant is rare in the general population with a frequency below the threshold expected for the associated phenotype(s). This variant has been observed in affected individual(s) with monoallelic occurrence (heterozygous/hemizygous) (PMID: 38484894, 21448560). Computational prediction algorithms indicate this variant is likely to affect gene or protein function. Given the available evidence, this variant is classified as Likely Pathogenic.

Labcorp Genetics (formerly Invitae), Labcorp
Classification: Likely pathogenic. Last evaluated: 2023-02-01. Review status: criteria provided, single submitter. Criteria: Invitae Variant Classification Sherloc (09022015). Collection method: clinical testing. Allele origin: germline.
Comment: This sequence change replaces glycine, which is neutral and non-polar, with aspartic acid, which is acidic and polar, at codon 2517 of the COL7A1 protein (p.Gly2517Asp). This variant is not present in population databases (gnomAD no frequency). This missense change has been observed in individual(s) with dominant dystrophic epidermolysis bullosa (PMID: 21448560). Advanced modeling of protein sequence and biophysical properties (such as structural, functional, and spatial information, amino acid conservation, physicochemical variation, residue mobility, and thermodynamic stability) performed at Invitae indicates that this missense variant is expected to disrupt COL7A1 protein function. In summary, the currently available evidence indicates that the variant is pathogenic, but additional data are needed to prove that conclusively. Therefore, this variant has been classified as Likely Pathogenic.

Literature cited by the submitters: PubMed 21448560 (cited by 3 submitters); PubMed 38484894 (cited by Women's Health and Genetics/Laboratory Corporation of America, LabCorp and Natera, Inc.).

NM_000094.4(COL7A1):c.7550G>A (p.Gly2517Asp)

Gene: COL7A1 (collagen type VII alpha 1 chain; minus strand). Cytogenetic location: 3p21.31.
Variant type: single nucleotide variant.
Coding change: c.7550G>A on transcript NM_000094.4 (MANE Select); coding-DNA position 7550, G replaced by A.
Protein change: p.Gly2517Asp; replaces glycine 2517 with aspartic acid.
Molecular consequence: missense variant.
Genome position (GRCh38, 1-based): chr3:48,569,732, C>T on the plus strand (G>A on the coding strand, the complement: COL7A1 is on the minus strand). VCF-style: chr3-48569732-C-T. GRCh37 (hg19) VCF-style: chr3-48607165-C-T.
Other names: short protein forms G2517D.
Identifiers: ClinVar variation 2734503 (VCV002734503.5), dbSNP rs2043791236, ClinGen allele CA352644788.